The following is an entry in ClinVar:

ClinVar aggregate classification (germline): Uncertain significance (1 of 4 stars; one submission).

Allele frequency attached by ClinVar (database versions not stated): TOPMed 0.00001; ExAC 0.00002.
gnomAD v4.1: 1 of 1,612,064 alleles (0.000062%); highest among the groups gnomAD compares: Admixed American, 0.0017%; no homozygotes.

Submission:

Labcorp Genetics (formerly Invitae), Labcorp
Classification: Uncertain significance. Last evaluated: 2022-04-16. Review status: criteria provided, single submitter. Criteria: Invitae Variant Classification Sherloc (09022015). Collection method: clinical testing. Allele origin: germline.
Comment: This sequence change replaces histidine, which is basic and polar, with glutamine, which is neutral and polar, at codon 255 of the SLC39A14 protein (p.His255Gln). This variant is present in population databases (rs769117630, gnomAD 0.003%). This variant has not been reported in the literature in individuals affected with SLC39A14-related conditions. Algorithms developed to predict the effect of missense changes on protein structure and function are either unavailable or do not agree on the potential impact of this missense change (SIFT: "Tolerated"; PolyPhen-2: "Possibly Damaging"; Align-GVGD: "Class C0"). In summary, the available evidence is currently insufficient to determine the role of this variant in disease. Therefore, it has been classified as a Variant of Uncertain Significance.

NM_001128431.4(SLC39A14):c.765C>G (p.His255Gln)

Gene: SLC39A14 (solute carrier family 39 member 14; plus strand). Cytogenetic location: 8p21.3.
Variant type: single nucleotide variant.
Coding change: c.765C>G on transcript NM_001128431.4 (MANE Select); coding-DNA position 765, C replaced by G.
Protein change: p.His255Gln; replaces histidine 255 with glutamine.
Molecular consequence: missense variant.
Genome position (GRCh38, 1-based): chr8:22,415,783, C>G. VCF-style: chr8-22415783-C-G. GRCh37 (hg19) VCF-style: chr8-22273296-C-G.
Other names: c.765C>G, p.His255Gln (NM_001135153.3, NM_001135154.3, NM_001351655.2 and 3 more transcripts); c.795C>G, p.His265Gln (NM_001351657.2, NM_001351658.2, NM_001351659.2); short protein forms H255Q, H265Q.
Identifiers: ClinVar variation 1905544 (VCV001905544.2), dbSNP rs769117630, ClinGen allele CA4667440.